The following is an entry in ClinVar:

ClinVar aggregate classification (germline): Uncertain significance. Review status: criteria provided, multiple submitters, no conflicts (2 of 4 stars). 3 submissions from 3 submitters: Uncertain significance (3). Last evaluated 2025-04-23.

Conditions:
Hereditary cancer-predisposing syndrome. Also called: Tumor predisposition; Hereditary neoplastic syndrome; Hereditary Cancer Syndrome; Neoplastic Syndromes, Hereditary. Identifiers: Orphanet 140162, MedGen C0027672, MeSH D009386, MONDO:0015356.

Allele frequency attached by ClinVar (database versions not stated): gnomAD exomes below 0.00001; TOPMed below 0.00001; gnomAD 0.00001.
gnomAD v4.1: 2 of 1,547,292 alleles (0.00013%); highest among the groups gnomAD compares: African/African-American, 0.0014%; no homozygotes.

Submissions (3):

Labcorp Genetics (formerly Invitae), Labcorp
Classification: Uncertain significance. Last evaluated: 2025-04-23. Review status: criteria provided, single submitter. Criteria: Invitae Variant Classification Sherloc (09022015). Collection method: clinical testing. Allele origin: germline.
Comment: This sequence change replaces arginine, which is basic and polar, with tryptophan, which is neutral and slightly polar, at codon 16 of the FH protein (p.Arg16Trp). This variant is not present in population databases (gnomAD no frequency). This variant has not been reported in the literature in individuals affected with FH-related conditions. ClinVar contains an entry for this variant (Variation ID: 578060). Invitae Evidence Modeling of protein sequence and biophysical properties (such as structural, functional, and spatial information, amino acid conservation, physicochemical variation, residue mobility, and thermodynamic stability) indicates that this missense variant is not expected to disrupt FH protein function with a negative predictive value of 95%. In summary, the available evidence is currently insufficient to determine the role of this variant in disease. Therefore, it has been classified as a Variant of Uncertain Significance.

GeneDx
Classification: Uncertain significance. Last evaluated: 2024-05-08. Review status: criteria provided, single submitter. Criteria: GeneDx Variant Classification Process June 2021. Collection method: clinical testing. Allele origin: germline. Affected: yes.
Comment: Not observed at significant frequency in large population cohorts (gnomAD); In silico analysis indicates that this missense variant does not alter protein structure/function; Has not been previously published as pathogenic or benign to our knowledge

Ambry Genetics
Classification: Uncertain significance for Hereditary cancer-predisposing syndrome. Last evaluated: 2024-03-30. Review status: criteria provided, single submitter. Criteria: Ambry Variant Classification Scheme 2023. Collection method: clinical testing. Allele origin: germline.
Comment: The p.R16W variant (also known as c.46C>T), located in coding exon 1 of the FH gene, results from a C to T substitution at nucleotide position 46. The arginine at codon 16 is replaced by tryptophan, an amino acid with dissimilar properties. This amino acid position is well conserved in available vertebrate species. In addition, the in silico prediction for this alteration is inconclusive. Since supporting evidence is limited at this time, the clinical significance of this alteration remains unclear.

NM_000143.4(FH):c.46C>T (p.Arg16Trp)

Gene: FH (fumarate hydratase; minus strand). Cytogenetic location: 1q43.
Variant type: single nucleotide variant.
Coding change: c.46C>T on transcript NM_000143.4 (MANE Select); coding-DNA position 46, C replaced by T.
Protein change: p.Arg16Trp; replaces arginine 16 with tryptophan.
Molecular consequence: missense variant.
Genome position (GRCh38, 1-based): chr1:241,519,677, G>A on the plus strand (C>T on the coding strand, the complement: FH is on the minus strand). VCF-style: chr1-241519677-G-A. GRCh37 (hg19) VCF-style: chr1-241682977-G-A.
Other names: short protein forms R16W.
Identifiers: ClinVar variation 578060 (VCV000578060.11), dbSNP rs1324875131, ClinGen allele CA345442959.